The following is an entry in ClinVar:

ClinVar aggregate classification (germline): Uncertain significance (1 of 4 stars; one submission).

Conditions:
Hereditary cancer-predisposing syndrome. Also called: Neoplastic Syndromes, Hereditary; Tumor predisposition; Hereditary Cancer Syndrome; Hereditary neoplastic syndrome. Identifiers: Orphanet 140162, MedGen C0027672, MeSH D009386, MONDO:0015356.

Submission:

Ambry Genetics
Classification: Uncertain significance for Hereditary cancer-predisposing syndrome. Last evaluated: 2025-11-12. Review status: criteria provided, single submitter. Criteria: Ambry Variant Classification Scheme 2023. Collection method: clinical testing. Allele origin: germline.
Comment: The p.V1528L variant (also known as c.4582G>C), located in coding exon 15 of the APC gene, results from a G to C substitution at nucleotide position 4582. The valine at codon 1528 is replaced by leucine, an amino acid with highly similar properties. This amino acid position is conserved. In addition, in silico predictors for this gene do not accurately predict pathogenicity. Based on the available evidence, the clinical significance of this variant remains unclear.

NM_000038.6(APC):c.4582G>C (p.Val1528Leu)

Gene: APC (APC regulator of Wnt signaling pathway; plus strand). Cytogenetic location: 5q22.2.
Variant type: single nucleotide variant.
Coding change: c.4582G>C on transcript NM_000038.6 (MANE Select); coding-DNA position 4582, G replaced by C.
Protein change: p.Val1528Leu; replaces valine 1528 with leucine.
Molecular consequence: missense variant. On other transcripts: non-coding transcript variant (2).
Genome position (GRCh38, 1-based): chr5:112,840,176, G>C. VCF-style: chr5-112840176-G-C. GRCh37 (hg19) VCF-style: chr5-112175873-G-C.
Other names: c.4582G>C, p.Val1528Leu (NM_001127510.3, NM_001354895.2, NM_001407450.1); c.4528G>C, p.Val1510Leu (NM_001127511.3); c.4636G>C, p.Val1546Leu (NM_001354896.2, NM_001407447.1, NM_001407448.1 and 1 more transcripts); c.4612G>C, p.Val1538Leu (NM_001354897.2); c.4507G>C, p.Val1503Leu (NM_001354898.2); c.4498G>C, p.Val1500Leu (NM_001354899.2); c.4459G>C, p.Val1487Leu (NM_001354900.2); c.4405G>C, p.Val1469Leu (NM_001354901.2, NM_001407453.1); and 11 more; short protein forms V1144L, V1399L, V1427L, V1487L, V1503L, V1528L, V1245L, V1368L.
Identifiers: ClinVar variation 4589845 (VCV004589845.1).